The following is an entry in ClinVar:

ClinVar aggregate classification (germline): Uncertain significance (1 of 4 stars; one submission).

Conditions:
Inborn genetic diseases. Identifiers: MedGen C0950123, MeSH D030342.

gnomAD v4.1: 1 of 1,610,438 alleles (0.000062%); highest among the groups gnomAD compares: Non-Finnish European, 0.000085%; no homozygotes.

Submission:

Ambry Genetics
Classification: Uncertain significance for Inborn genetic diseases. Last evaluated: 2026-09-04. Review status: criteria provided, single submitter. Criteria: Ambry Variant Classification Scheme 2023. Collection method: clinical testing. Allele origin: germline.
Comment: The p.N126H variant (also known as c.376A>C), located in coding exon 3 of the MBD4 gene, results from an A to C substitution at nucleotide position 376. The asparagine at codon 126 is replaced by histidine, an amino acid with similar properties. This amino acid position is conserved. In addition, the in silico prediction for this alteration is inconclusive. Based on the available evidence, the clinical significance of this variant remains unclear.

NM_001276270.2(MBD4):c.376A>C (p.Asn126His)

Gene: MBD4 (methyl-CpG binding domain 4, DNA glycosylase; minus strand). Cytogenetic location: 3q21.3.
Variant type: single nucleotide variant.
Coding change: c.376A>C on transcript NM_001276270.2 (MANE Select); coding-DNA position 376, A replaced by C.
Protein change: p.Asn126His; replaces asparagine 126 with histidine.
Molecular consequence: missense variant. On other transcripts: intron variant (1).
Genome position (GRCh38, 1-based): chr3:129,437,268, T>G on the plus strand (A>C on the coding strand, the complement: MBD4 is on the minus strand). VCF-style: chr3-129437268-T-G. GRCh37 (hg19) VCF-style: chr3-129156111-T-G.
Other names: c.376A>C, p.Asn126His (NM_001276271.2, NM_001276272.2, NM_003925.3); c.247+540A>C (NM_001276273.2); short protein forms N126H.
Identifiers: ClinVar variation 5024049 (VCV005024049.1).